The following is an entry in ClinVar:

NC_000001.10:g.(?_11882732)_(11907741_?)del

Genes: CLCN6 (chloride voltage-gated channel 6; plus strand), NPPA (natriuretic peptide A; minus strand). Cytogenetic location: 1p36.22.
Variant type: Deletion.
Identifiers: ClinVar variation 2424111 (VCV002424111.3).

ClinVar aggregate classification (germline): Uncertain significance (1 of 4 stars; one submission).

Submission:

Labcorp Genetics (formerly Invitae), Labcorp
Classification: Uncertain significance. Last evaluated: 2022-05-15. Review status: criteria provided, single submitter. Criteria: Invitae Variant Classification Sherloc (09022015). Collection method: clinical testing. Allele origin: germline.
Comment: This variant is a gross deletion of the genomic region encompassing exon(s) 6-23 of the CLCN6 gene, which includes the termination codon. This deletion extends beyond the assayed region for this gene and therefore may encompass additional genes. While this deletion is not anticipated to lead to nonsense mediated decay, it is expected to alter mRNA translation or result in a truncated protein product. This variant has not been reported in the literature in individuals affected with CLCN6-related conditions. In summary, the available evidence is currently insufficient to determine the role of this variant in disease. Therefore, it has been classified as a Variant of Uncertain Significance.